The following is an entry in ClinVar:

ClinVar aggregate classification (germline): Uncertain significance (1 of 4 stars; one submission).

Submission:

Labcorp Genetics (formerly Invitae), Labcorp
Classification: Uncertain significance. Last evaluated: 2022-03-07. Review status: criteria provided, single submitter. Criteria: Invitae Variant Classification Sherloc (09022015). Collection method: clinical testing. Allele origin: germline.
Comment: In summary, the available evidence is currently insufficient to determine the role of this variant in disease. Therefore, it has been classified as a Variant of Uncertain Significance. Variants that disrupt the consensus splice site are a relatively common cause of aberrant splicing (PMID: 17576681, 9536098). This variant has not been reported in the literature in individuals affected with ARHGEF10-related conditions. This variant is not present in population databases (gnomAD no frequency). This sequence change falls in intron 16 of the ARHGEF10 gene. It does not directly change the encoded amino acid sequence of the ARHGEF10 protein. It affects a nucleotide within the consensus splice site.

Literature cited by the submitters: PubMed 17576681; PubMed 9536098.

NM_014629.4(ARHGEF10):c.1821+3_1821+132delinsATCTT

Gene: ARHGEF10 (Rho guanine nucleotide exchange factor 10; plus strand). Cytogenetic location: 8p23.3.
Variant type: Indel.
Coding change: c.1821+3_1821+132delinsATCTT on transcript NM_014629.4 (MANE Select); bases 3 to 132 of the intron after coding-DNA position 1821, the reference bases replaced by ATCTT.
Molecular consequence: intron variant.
Genome position (GRCh38, 1-based): chr8:1,903,454-1,903,583, 130 bases replaced. GRCh37 (hg19): chr8:1,851,620-1,851,749.
Other names: c.1704+3_1704+132delinsATCTT (NM_001438092.1, NM_001438093.1); c.1824+3_1824+132delinsATCTT (NM_001438091.1); c.1707+3_1707+132delinsATCTT (NM_001308152.2, NM_001438094.1); c.1821+3_1821+132delinsATCTT (NM_001308153.3).
Identifiers: ClinVar variation 2107514 (VCV002107514.4), dbSNP rs2537561426, ClinGen allele CA2580077987.